The following is an entry in ClinVar:

ClinVar aggregate classification (germline): Likely benign (1 of 4 stars; one submission).

Conditions:
Thyroid dyshormonogenesis 1. Also called: HYPOTHYROIDISM, CONGENITAL, DUE TO DYSHORMONOGENESIS, 1; IODINE ACCUMULATION, TRANSPORT, OR TRAPPING DEFECT; THYROID HORMONOGENESIS, GENETIC DEFECT IN, 1; Familial thyroid dyshormonogenesis 1. Identifiers: Orphanet 95716, MedGen C1848805, MONDO:0020716, OMIM 274400.

Allele frequency attached by ClinVar (database versions not stated): gnomAD exomes 0.00251; ExAC 0.00447; 1000 Genomes Project 0.00978; 1000 Genomes Project 30x 0.00984; ESP Exome Variant Server 0.01046; gnomAD 0.01096 and 0.01157; TOPMed 0.01197.
gnomAD v4.1: 2,951 of 1,221,566 alleles (0.24%); highest among the groups gnomAD compares: African/African-American, 4%; 55 homozygotes.

Submission:

Illumina Laboratory Services, Illumina
Classification: Likely benign for Thyroid dyshormonogenesis 1. Last evaluated: 2018-01-12. Review status: criteria provided, single submitter. Criteria: ICSL Variant Classification Criteria 13 December 2019. Collection method: clinical testing. Allele origin: germline.
Comment: This variant was observed in the ICSL laboratory as part of a predisposition screen in an ostensibly healthy population. It had not been previously curated by ICSL or reported in the Human Gene Mutation Database (HGMD: prior to June 1st, 2018), and was therefore a candidate for classification through an automated scoring system. Utilizing variant allele frequency, disease prevalence and penetrance estimates, and inheritance mode, an automated score was calculated to assess if this variant is too frequent to cause the disease. Based on the score and internal cut-off values, a variant classified as likely benign is not then subjected to further curation. The score for this variant resulted in a classification of likely benign for this disease.

NM_000453.3(SLC5A5):c.-36C>T

Gene: SLC5A5 (solute carrier family 5 member 5; plus strand). Cytogenetic location: 19p13.11.
Variant type: single nucleotide variant.
Coding change: c.-36C>T on transcript NM_000453.3 (MANE Select); 36 bases upstream of the start codon, C replaced by T.
Molecular consequence: 5 prime UTR variant.
Genome position (GRCh38, 1-based): chr19:17,872,284, C>T. VCF-style: chr19-17872284-C-T. GRCh37 (hg19) VCF-style: chr19-17983093-C-T.
Identifiers: ClinVar variation 328531 (VCV000328531.5), dbSNP rs116154266, ClinGen allele CA9302617.